The following is an entry in ClinVar:

ClinVar aggregate classification (germline): Uncertain significance (1 of 4 stars; one submission).

Conditions:
Treacher Collins syndrome 1 (TCS1). Also called: TCOF1-Related Treacher Collins Syndrome. Identifiers: Orphanet 861, MedGen CN315775, MONDO:0007944, OMIM 154500.

Allele frequency attached by ClinVar (database versions not stated): gnomAD exomes 0.00002; TOPMed below 0.00001; ExAC 0.00002.
gnomAD v4.1: 11 of 1,614,118 alleles (0.00068%); highest among the groups gnomAD compares: South Asian, 0.011%; no homozygotes.

Submission:

Labcorp Genetics (formerly Invitae), Labcorp
Classification: Uncertain significance for Treacher Collins syndrome 1. Last evaluated: 2018-08-20. Review status: criteria provided, single submitter. Criteria: Invitae Variant Classification Sherloc (09022015). Collection method: clinical testing. Allele origin: germline.
Comment: In summary, the available evidence is currently insufficient to determine the role of this variant in disease. Therefore, it has been classified as a Variant of Uncertain Significance. Algorithms developed to predict the effect of sequence changes on RNA splicing suggest that this variant may create or strengthen a splice site, but this prediction has not been confirmed by published transcriptional studies. This sequence change replaces glutamic acid with valine at codon 698 of the TCOF1 protein (p.Glu698Val). The glutamic acid residue is highly conserved and there is a moderate physicochemical difference between glutamic acid and valine. This variant is present in population databases (rs760265000, ExAC 0.01%). This variant has not been reported in the literature in individuals with TCOF1-related disease. Algorithms developed to predict the effect of missense changes on protein structure and function (SIFT, PolyPhen-2, Align-GVGD) all suggest that this variant is likely to be disruptive, but these predictions have not been confirmed by published functional studies and their clinical significance is uncertain.

NM_001371623.1(TCOF1):c.2093A>T (p.Glu698Val)

Gene: TCOF1 (treacle ribosome biogenesis factor 1; plus strand). Cytogenetic location: 5q32.
Variant type: single nucleotide variant.
Coding change: c.2093A>T on transcript NM_001371623.1 (MANE Select); coding-DNA position 2093, A replaced by T.
Protein change: p.Glu698Val; replaces glutamic acid 698 with valine.
Molecular consequence: missense variant.
Genome position (GRCh38, 1-based): chr5:150,376,281, A>T. VCF-style: chr5-150376281-A-T. GRCh37 (hg19) VCF-style: chr5-149755844-A-T.
Other names: c.1862A>T, p.Glu621Val (NM_000356.4, NM_001135245.2); c.2093A>T, p.Glu698Val (NM_001008657.3, NM_001135243.2, NM_001135244.2 and 1 more transcripts); short protein forms E698V, E621V.
Identifiers: ClinVar variation 651483 (VCV000651483.9), dbSNP rs760265000, ClinGen allele CA3511091.